The following is an entry in ClinVar:

NM_031307.4(PUS3):c.578G>A (p.Arg193Gln)

Genes: HYLS1 (HYLS1 centriolar and ciliogenesis associated; plus strand), PUS3 (pseudouridine synthase 3; minus strand). Cytogenetic location: 11q24.2.
Variant type: single nucleotide variant.
Coding change: c.578G>A on transcript NM_031307.4 (MANE Select); coding-DNA position 578, G replaced by A.
Protein change: p.Arg193Gln; replaces arginine 193 with glutamine.
Molecular consequence: missense variant. On other transcripts: 5 prime UTR variant (1), intron variant (5).
Genome position (GRCh38, 1-based): chr11:125,895,590, C>T on the plus strand (G>A on the coding strand, the complement: PUS3 is on the minus strand). VCF-style: chr11-125895590-C-T. GRCh37 (hg19) VCF-style: chr11-125765485-C-T.
Other names: c.-47G>A (NM_001271985.2); c.-80-3514C>T (NM_145014.3); c.-25-3754C>T (NM_001134793.2, NM_001377269.1); c.-22-3757C>T (NM_001424364.1, NM_001377270.1); short protein forms R193Q.
Identifiers: ClinVar variation 632593 (VCV000632593.7), dbSNP rs576405108, ClinGen allele CA6350487.

ClinVar aggregate classification (germline): Conflicting classifications of pathogenicity. Review status: criteria provided, conflicting classifications (1 of 4 stars). 4 submissions from 4 submitters: Likely pathogenic (1); Uncertain significance (1). 2 of the submissions do not count toward it. Last evaluated 2026-10-20.

Conditions:
Severe growth deficiency-strabismus-extensive dermal melanocytosis-intellectual disability syndrome (NEDMIGS). Also called: NEURODEVELOPMENTAL DISORDER WITH MICROCEPHALY AND GRAY SCLERAE. Identifiers: Orphanet 488627, MedGen C4310745, MONDO:0014886, OMIM 617051.
Dandy-Walker syndrome (DWS). Identifiers: Orphanet 217, MedGen C0010964, MeSH D003616, MONDO:0009072, OMIM 220200.
Genetic syndrome with a Dandy-Walker malformation as major feature.

Allele frequency attached by ClinVar (database versions not stated): gnomAD exomes 0.00001 and below 0.00001; ExAC 0.00002; TOPMed 0.00001; gnomAD 0.00002.
gnomAD v4.1: 10 of 1,614,102 alleles (0.00062%); highest among the groups gnomAD compares: East Asian, 0.0045%; no homozygotes.

Submissions (4):

GeneDx
Classification: Likely pathogenic. Last evaluated: 2026-10-20. Review status: criteria provided, single submitter. Criteria: GeneDx Variant Classification Process June 2021. Collection method: clinical testing. Allele origin: germline.
Comment: Published in vitro functional study suggests that R193Q impairs enzyme activity, consistent with loss-of-function effect despite preserved tRNA binding (PMID: 38996458); In silico analysis supports that this missense variant has a deleterious effect on protein structure/function; This variant is associated with the following publications: (PMID: 34426522, 31474318, 34415064, 36125428, 38996458)

Laboratorio de Genetica e Diagnostico Molecular, Hospital Israelita Albert Einstein
Classification: Uncertain significance for Severe growth deficiency-strabismus-extensive dermal melanocytosis-intellectual disability syndrome. Last evaluated: 2024-07-08. Review status: criteria provided, single submitter. Criteria: ACMG Guidelines, 2015. Collection method: clinical testing. Allele origin: germline. Affected: yes.
Comment: ACMG classification criteria: PM2 supporting, PM3 moderate, PP3 supporting

Dobyns Lab, Seattle Children's Research Institute
Classification: Likely pathogenic for Mental retardation, autosomal recessive 55; Genetic syndrome with a Dandy-Walker malformation as major feature. Last evaluated: 2019-02-18. Review status: no assertion criteria provided. Collection method: research. Allele origin: germline. Affected: yes. Observed: 1 variant allele. Not counted in ClinVar's aggregate classification.

University of Washington Center for Mendelian Genomics, University of Washington
Classification: Likely pathogenic for Dandy-Walker malformation. Review status: no assertion criteria provided. Collection method: research. Allele origin: inherited. Affected: yes. Not counted in ClinVar's aggregate classification.

Literature cited by the submitters: PubMed 31474318 (cited by University of Washington Center for Mendelian Genomics, University of Washington).